The following is an entry in ClinVar:

NM_000122.2(ERCC3):c.593G>A (p.Arg198His)

Gene: ERCC3 (ERCC excision repair 3, TFIIH core complex helicase subunit; minus strand). Cytogenetic location: 2q14.3.
Variant type: single nucleotide variant.
Coding change: c.593G>A on transcript NM_000122.2 (MANE Select); coding-DNA position 593, G replaced by A.
Protein change: p.Arg198His; replaces arginine 198 with histidine.
Molecular consequence: missense variant.
Genome position (GRCh38, 1-based): chr2:127,289,753, C>T on the plus strand (G>A on the coding strand, the complement: ERCC3 is on the minus strand). VCF-style: chr2-127289753-C-T. GRCh37 (hg19) VCF-style: chr2-128047329-C-T.
Other names: c.401G>A, p.Arg134His (NM_001303416.2, NM_001303418.2); short protein forms R134H, R198H.
Identifiers: ClinVar variation 1311031 (VCV001311031.2), dbSNP rs748503195, ClinGen allele CA1858502.

ClinVar aggregate classification (germline): Uncertain significance (1 of 4 stars; one submission).

Allele frequency attached by ClinVar (database versions not stated): gnomAD exomes 0.00001; ExAC 0.00001.
gnomAD v4.1: 17 of 1,614,090 alleles (0.0011%); highest among the groups gnomAD compares: Non-Finnish European, 0.0014%; no homozygotes.

Submission:

GeneDx
Classification: Uncertain significance. Last evaluated: 2019-12-11. Review status: criteria provided, single submitter. Criteria: GeneDx Variant Classification Process June 2021. Collection method: clinical testing. Allele origin: germline. Affected: yes.
Comment: In silico analysis, which includes protein predictors and evolutionary conservation, supports a deleterious effect; Has not been previously published as pathogenic or benign to our knowledge